The following is an entry in ClinVar:

NM_000182.5(HADHA):c.1393-163C>G

Genes: GAREM2 (GRB2 associated regulator of MAPK1 subtype 2; plus strand), HADHA (hydroxyacyl-CoA dehydrogenase trifunctional multienzyme complex subunit alpha; minus strand). Cytogenetic location: 2p23.3.
Variant type: single nucleotide variant.
Coding change: c.1393-163C>G on transcript NM_000182.5 (MANE Select); 163 bases into the intron before coding-DNA position 1393, C replaced by G.
Molecular consequence: intron variant.
Genome position (GRCh38, 1-based): chr2:26,197,940, G>C on the plus strand (C>G on the coding strand, the complement: HADHA is on the minus strand). VCF-style: chr2-26197940-G-C. GRCh37 (hg19) VCF-style: chr2-26420809-G-C.
Identifiers: ClinVar variation 681693 (VCV000681693.2), dbSNP rs2289019, ClinGen allele CA11004383.
Genomic context (GRCh38, chr2:26,197,940, plus strand): 5'-CCCCACAACTGCTCAGACAGTAGATGTCACTCACCCAGACATTGACGGATCACCTAGGGG[G>C]TTTTGTGTCGGGGAATATGTTGACCTTGTTCCTTTTCCCATTCTGCCTTCCTCTAGTTAT-3'

ClinVar aggregate classification (germline): Benign. Review status: criteria provided, multiple submitters, no conflicts (2 of 4 stars). 2 submissions from 2 submitters: Benign (2). Last evaluated 2018-06-16.

Allele frequency attached by ClinVar (database versions not stated): gnomAD 0.82307 and 0.82462; TOPMed 0.83534; 1000 Genomes Project 0.85264; 1000 Genomes Project 30x 0.85556.
gnomAD v4.1: 125,161 of 152,220 alleles (82%); highest among the groups gnomAD compares: African/African-American, 93%; 51,823 homozygotes.

Submissions (2):

GeneDx
Classification: Benign. Last evaluated: 2018-06-16. Review status: criteria provided, single submitter. Criteria: GeneDx Variant Classification (06012015). Collection method: clinical testing. Allele origin: germline. Affected: yes.
Comment: This variant is considered likely benign or benign based on one or more of the following criteria: it is a conservative change, it occurs at a poorly conserved position in the protein, it is predicted to be benign by multiple in silico algorithms, and/or has population frequency not consistent with disease.

Breakthrough Genomics
Classification: Benign. Review status: criteria provided, single submitter. Criteria: ACMG Guidelines, 2015. Collection method: not provided. Allele origin: germline. Inheritance: Autosomal recessive inheritance. Affected: yes.